The following is an entry in ClinVar:

NM_001365999.1(SZT2):c.5630_5633del (p.Asp1877fs)

Gene: SZT2 (SZT2 subunit of KICSTOR complex; plus strand). Cytogenetic location: 1p34.2.
Variant type: Deletion.
Coding change: c.5630_5633del on transcript NM_001365999.1 (MANE Select); coding-DNA positions 5630 to 5633, 4 bases deleted (ACAG; older notation c.5630_5633delACAG).
Protein change: p.Asp1877fs; shifts the reading frame from aspartic acid 1877.
Molecular consequence: frameshift variant.
Genome position (GRCh38, 1-based): chr1:43,433,016-43,433,019, ACAG deleted; deleting any 4 consecutive bases within chr1:43,433,013-43,433,019 gives the same sequence; the c. name uses the placement nearest the transcript's 3' end. VCF-style (leftmost placement, unchanged base first): chr1-43433012-TCAGA-T. GRCh37 (hg19) VCF-style: chr1-43898683-TCAGA-T.
Other names: c.5459_5462del, p.Asp1820fs (NM_015284.4); c.5459_5462delACAG (NM_015284.3); short protein forms D1820fs, D1877fs.
Identifiers: ClinVar variation 1072312 (VCV001072312.8), dbSNP rs1367454316, ClinGen allele CA735970948.

ClinVar aggregate classification (germline): Pathogenic. Review status: criteria provided, single submitter (1 of 4 stars). 2 submissions from 2 submitters: Pathogenic (1). 1 of the submissions does not count toward it. Last evaluated 2024-12-24.

Conditions:
SZT2-related disorder. Also called: SZT2-related condition.

Submissions (2):

Labcorp Genetics (formerly Invitae), Labcorp
Classification: Pathogenic. Last evaluated: 2024-12-24. Review status: criteria provided, single submitter. Criteria: Invitae Variant Classification Sherloc (09022015). Collection method: clinical testing. Allele origin: germline.
Comment: This sequence change creates a premature translational stop signal (p.Asp1820Valfs*60) in the SZT2 gene. It is expected to result in an absent or disrupted protein product. Loss-of-function variants in SZT2 are known to be pathogenic (PMID: 23932106, 27248490, 28556953). This variant is not present in population databases (gnomAD no frequency). This variant has not been reported in the literature in individuals affected with SZT2-related conditions. ClinVar contains an entry for this variant (Variation ID: 1072312). For these reasons, this variant has been classified as Pathogenic.

PreventionGenetics, part of Exact Sciences
Classification: Likely pathogenic for SZT2-related condition. Last evaluated: 2024-07-17. Review status: no assertion criteria provided. Collection method: clinical testing. Allele origin: germline. Not counted in ClinVar's aggregate classification.
Comment: The SZT2 c.5459_5462delACAG variant is predicted to result in a frameshift and premature protein termination (p.Asp1820Valfs*60). To our knowledge, this variant has not been reported in the literature or in a large population database, indicating it is rare. Frameshift variants in SZT2 are expected to be pathogenic. This variant is interpreted as likely pathogenic.

Literature cited by the submitters: PubMed 23932106 (cited by Labcorp Genetics (formerly Invitae), Labcorp); PubMed 27248490 (cited by Labcorp Genetics (formerly Invitae), Labcorp); PubMed 28556953 (cited by Labcorp Genetics (formerly Invitae), Labcorp).